The following is an entry in ClinVar:

NM_001123385.2(BCOR):c.4360C>T (p.Arg1454Trp)

Gene: BCOR (BCL6 corepressor; minus strand). Cytogenetic location: Xp11.4.
Variant type: single nucleotide variant.
Coding change: c.4360C>T on transcript NM_001123385.2 (MANE Select); coding-DNA position 4360, C replaced by T.
Protein change: p.Arg1454Trp; replaces arginine 1454 with tryptophan.
Molecular consequence: missense variant.
Genome position (GRCh38, 1-based): chrX:40,062,207, G>A on the plus strand (C>T on the coding strand, the complement: BCOR is on the minus strand). VCF-style: chrX-40062207-G-A. GRCh37 (hg19) VCF-style: chrX-39921460-G-A.
Other names: c.4258C>T, p.Arg1420Trp (NM_001123383.2, NM_001438208.1, NM_017745.6); c.4204C>T, p.Arg1402Trp (NM_001123384.2); c.4360C>T, p.Arg1454Trp (NM_001437510.1, NM_001437511.1); c.4306C>T, p.Arg1436Trp (NM_001438207.1); short protein forms R1420W, R1436W, R1402W, R1454W.
Identifiers: ClinVar variation 4991708 (VCV004991708.1).
Genomic context (GRCh38, chrX:40,062,207, plus strand): 5'-CAAGCCTGGCTGCCCGCTGCAGAAGGGTCTCGCCAGCGTTCTTATTGACAATAAGTCTCC[G>A]TGCTTCCGGCGGCATAGGGCGAGACTGGGTGGTCTCCTGAGGGGAACTTGAGCATGGCAG-3'
Protein context (NP_001116857.1, residues 1444-1464): TQSRPMPPEA[Arg1454Trp]RLIVNKNAGE

ClinVar aggregate classification (germline): Uncertain significance (1 of 4 stars; one submission).

Conditions:
BCOR-related disorder. Also called: BCOR-related disorders; BCOR-related condition.

Submission:

PreventionGenetics, part of Exact Sciences
Classification: Uncertain significance for BCOR-related condition. Last evaluated: 2026-01-15. Review status: criteria provided, single submitter. Criteria: ACMG Guidelines, 2015. Collection method: clinical testing. Allele origin: germline.
Comment: The BCOR c.4258C>T variant is predicted to result in the amino acid substitution p.Arg1420Trp. To our knowledge, this variant has not been reported in the literature or in a large population database (gnomAD), indicating this variant is rare. At this time, the clinical significance of this variant is uncertain due to the absence of conclusive functional and genetic evidence.